The following is an entry in ClinVar:

NM_000179.3(MSH6):c.1832G>C (p.Ser611Thr)

Gene: MSH6 (mutS homolog 6; plus strand). Cytogenetic location: 2p16.3.
Variant type: single nucleotide variant.
Coding change: c.1832G>C on transcript NM_000179.3 (MANE Select); coding-DNA position 1832, G replaced by C.
Protein change: p.Ser611Thr; replaces serine 611 with threonine.
Molecular consequence: missense variant.
Genome position (GRCh38, 1-based): chr2:47,799,815, G>C. VCF-style: chr2-47799815-G-C. GRCh37 (hg19) VCF-style: chr2-48026954-G-C.
Other names: c.1442G>C, p.Ser481Thr (NM_001281492.2); c.926G>C, p.Ser309Thr (NM_001281493.2, NM_001281494.2, NM_001406811.1 and 6 more transcripts); c.1928G>C, p.Ser643Thr (NM_001406795.1, NM_001406802.1); c.1832G>C, p.Ser611Thr (NM_001406796.1, NM_001406798.1, NM_001406800.1 and 3 more transcripts); c.1535G>C, p.Ser512Thr (NM_001406797.1, NM_001406801.1, NM_001406805.1 and 10 more transcripts); c.1307G>C, p.Ser436Thr (NM_001406799.1, NM_001406806.1, NM_001406807.1); c.1754G>C, p.Ser585Thr (NM_001406804.1); c.1838G>C, p.Ser613Thr (NM_001406813.1); and 1 more; short protein forms S309T, S436T, S585T, S613T, S555T, S611T, S512T, S643T.
Identifiers: ClinVar variation 1780985 (VCV001780985.2), dbSNP rs1553413217, ClinGen allele CA346749556.

ClinVar aggregate classification (germline): Uncertain significance (1 of 4 stars; one submission).

Conditions:
Hereditary cancer-predisposing syndrome. Also called: Neoplastic Syndromes, Hereditary; Tumor predisposition; Hereditary Cancer Syndrome; Hereditary neoplastic syndrome. Identifiers: Orphanet 140162, MedGen C0027672, MeSH D009386, MONDO:0015356.

Submission:

Ambry Genetics
Classification: Uncertain significance for Hereditary cancer-predisposing syndrome. Last evaluated: 2021-09-03. Review status: criteria provided, single submitter. Criteria: Ambry Variant Classification Scheme 2023. Collection method: clinical testing. Allele origin: germline.
Comment: The p.S611T variant (also known as c.1832G>C), located in coding exon 4 of the MSH6 gene, results from a G to C substitution at nucleotide position 1832. The serine at codon 611 is replaced by threonine, an amino acid with similar properties. This amino acid position is not well conserved in available vertebrate species. In addition, this alteration is predicted to be tolerated by in silico analysis. Since supporting evidence is limited at this time, the clinical significance of this alteration remains unclear.